The following is an entry in ClinVar:

ClinVar aggregate classification (germline): Pathogenic (1 of 4 stars; one submission).

Submission:

GeneDx
Classification: Pathogenic. Last evaluated: 2023-02-06. Review status: criteria provided, single submitter. Criteria: GeneDx Variant Classification Process June 2021. Collection method: clinical testing. Allele origin: germline. Affected: yes.
Comment: Frameshift variant predicted to result in protein truncation or nonsense mediated decay in a gene for which loss of function is a known mechanism of disease; Not observed at significant frequency in large population cohorts (gnomAD); This variant is associated with the following publications: (PMID: 18220287)

NM_000503.6(EYA1):c.845_852del (p.Ser282fs)

Gene: EYA1 (EYA transcriptional coactivator and phosphatase 1; minus strand). Cytogenetic location: 8q13.3.
Variant type: Deletion.
Coding change: c.845_852del on transcript NM_000503.6 (MANE Select); coding-DNA positions 845 to 852, 8 bases deleted (GCCCATCA; older notation c.845_852delGCCCATCA).
Protein change: p.Ser282fs; shifts the reading frame from serine 282.
Molecular consequence: frameshift variant.
Genome position (GRCh38, 1-based): chr8:71,271,872-71,271,879, TGATGGGC deleted on the plus strand (GCCCATCA on the coding strand, the reverse complement: EYA1 is on the minus strand); deleting any 8 consecutive bases within chr8:71,271,872-71,271,881 gives the same sequence; the c. name uses the placement nearest the transcript's 3' end. VCF-style (leftmost placement, unchanged base first): chr8-71271871-TTGATGGGC-T. GRCh37 (hg19) VCF-style: chr8-72184106-TTGATGGGC-T.
Other names: c.827_834del, p.Ser276fs (NM_001288574.2); c.479_486del, p.Ser160fs (NM_001288575.2); c.932_939del, p.Ser311fs (NM_001370333.1); c.845_852del, p.Ser282fs (NM_001370334.1, NM_001370335.1, NM_172058.4); c.914_921del, p.Ser305fs (NM_001370336.1); c.746_753del, p.Ser249fs (NM_001411797.1, NM_172060.4); c.917_924del, p.Ser306fs (NM_172059.5); short protein forms S160fs, S249fs, S276fs, S282fs, S305fs, S306fs, S311fs.
Identifiers: ClinVar variation 2574939 (VCV002574939.1), dbSNP rs2538057208, ClinGen allele CA2580617180.